The following is an entry in ClinVar:

NM_144687.4(NLRP12):c.1549T>G (p.Phe517Val)

Gene: NLRP12 (NLR family pyrin domain containing 12; minus strand). Cytogenetic location: 19q13.42.
Variant type: single nucleotide variant.
Coding change: c.1549T>G on transcript NM_144687.4 (MANE Select); coding-DNA position 1549, T replaced by G.
Protein change: p.Phe517Val; replaces phenylalanine 517 with valine.
Molecular consequence: missense variant.
Genome position (GRCh38, 1-based): chr19:53,810,110, A>C on the plus strand (T>G on the coding strand, the complement: NLRP12 is on the minus strand). VCF-style: chr19-53810110-A-C. GRCh37 (hg19) VCF-style: chr19-54313364-A-C.
Other names: c.1549T>G, p.Phe517Val (NM_001277126.2, NM_001277129.1); short protein forms F517V.
Identifiers: ClinVar variation 3662850 (VCV003662850.2).
Genomic context (GRCh38, chr19:53,810,110, plus strand): 5'-GGCCTGCCCCGCCCTCCCCCTCGTCCAGGATATAGTACATAGCTGCAAAGAATTCCTGGA[A>C]ACTCAAGTGGATGAAGCTGTAGTACCTCTCACAGTTGATGTCCTTCTGGAAGATGTTCAT-3'
Protein context (NP_653288.1, residues 507-527): ERYYSFIHLS[Phe517Val]QEFFAAMYYI

ClinVar aggregate classification (germline): Uncertain significance (1 of 4 stars; one submission).

Conditions:
Familial cold autoinflammatory syndrome 2 (FCAS2). Identifiers: Orphanet 247868, MedGen C2673198, MONDO:0012724, OMIM 611762.

gnomAD v4.1: 1 of 1,614,018 alleles (0.000062%); highest among the groups gnomAD compares: Non-Finnish European, 0.000085%; no homozygotes.

Submission:

Labcorp Genetics (formerly Invitae), Labcorp
Classification: Uncertain significance for Familial cold autoinflammatory syndrome 2. Last evaluated: 2025-08-18. Review status: criteria provided, single submitter. Criteria: Invitae Variant Classification Sherloc (09022015). Collection method: clinical testing. Allele origin: germline.
Comment: This sequence change replaces phenylalanine, which is neutral and non-polar, with valine, which is neutral and non-polar, at codon 517 of the NLRP12 protein (p.Phe517Val). This variant is not present in population databases (gnomAD no frequency). This variant has not been reported in the literature in individuals affected with NLRP12-related conditions. ClinVar contains an entry for this variant (Variation ID: 3662850). Invitae Evidence Modeling of protein sequence and biophysical properties (such as structural, functional, and spatial information, amino acid conservation, physicochemical variation, residue mobility, and thermodynamic stability) indicates that this missense variant is not expected to disrupt NLRP12 protein function with a negative predictive value of 80%. In summary, the available evidence is currently insufficient to determine the role of this variant in disease. Therefore, it has been classified as a Variant of Uncertain Significance.